The following is an entry in ClinVar:

ClinVar aggregate classification (germline): Uncertain significance (1 of 4 stars; one submission).

Conditions:
Leigh syndrome (NULS). Also called: Leigh's necrotizing encephalopathy; Leigh's disease; Leigh's syndrome; LEIGH SYNDROME, NUCLEAR; Leigh Syndrome (mtDNA deletion); Leigh Disease. Identifiers: Orphanet 506, MedGen C2931891, MONDO:0009723, OMIM 256000.

Submission:

Wong Mito Lab, Molecular and Human Genetics, Baylor College of Medicine
Classification: Uncertain significance for Leigh syndrome. Last evaluated: 2019-10-17. Review status: criteria provided, single submitter. Criteria: Modified ACMG Guidelines (Unpublished). Collection method: clinical testing. Allele origin: germline.
Comment: The NC_012920.1:m.14880T>C (YP_003024038.1:p.Ile45Thr) variant in MTCYB gene is interpretated to be a Uncertain Significance variant based on the modified ACMG guidelines (unpublished). This variant meets the following evidence codes: PP7, BP4

NC_012920.1(MT-CYB):m.14880T>C

Gene: MT-CYB (mitochondrially encoded cytochrome b; plus strand).
Variant type: single nucleotide variant.
Genome position: chrM-14880-T-C.
Identifiers: ClinVar variation 693784 (VCV000693784.1), dbSNP rs1603224948, ClinGen allele CA913172347.